The following is an entry in ClinVar:

NM_001366145.2(TRPM3):c.1624G>A (p.Val542Ile)

Gene: TRPM3 (transient receptor potential cation channel subfamily M member 3; minus strand). Cytogenetic location: 9q21.12.
Variant type: single nucleotide variant.
Coding change: c.1624G>A on transcript NM_001366145.2 (MANE Select); coding-DNA position 1624, G replaced by A.
Protein change: p.Val542Ile; replaces valine 542 with isoleucine.
Molecular consequence: missense variant.
Genome position (GRCh38, 1-based): chr9:70,635,219, C>T on the plus strand (G>A on the coding strand, the complement: TRPM3 is on the minus strand). VCF-style: chr9-70635219-C-T. GRCh37 (hg19) VCF-style: chr9-73250135-C-T.
Other names: c.1624G>A, p.Val542Ile (NM_001007471.4, NM_001366146.2, NM_001366149.2 and 2 more transcripts); c.1630G>A, p.Val544Ile (NM_001366141.2, NM_001366142.2, NM_001366143.2); c.1699G>A, p.Val567Ile (NM_001366147.2, NM_001366148.2, NM_001366152.2); c.1165G>A, p.Val389Ile (NM_001366154.2, NM_020952.6, NM_024971.7 and 2 more transcripts); c.1240G>A, p.Val414Ile (NM_206946.5, NM_206947.5); short protein forms V389I, V414I, V542I, V544I, V567I.
Identifiers: ClinVar variation 2633129 (VCV002633129.1), dbSNP rs2539700550, ClinGen allele CA373561492.
Genomic context (GRCh38, chr9:70,635,219, plus strand): 5'-ACAGGAAGCAGTCAAGACAGGGCCTCCGACCTGCAGTCGAGAGGGTTCTTACCTTTTTGA[C>T]ATCCCTGACCAAGTGGTACAATGTATTTGAGGGCCCATGTCTCTGAAAACAATAAAGAAG-3'
Protein context (NP_001353074.1, residues 532-552): SNTLYHLVRD[Val542Ile]KKREYPGFGW

ClinVar aggregate classification (germline): Uncertain significance (1 of 4 stars; one submission).

Conditions:
TRPM3-related disorder. Also called: TRPM3-related condition.

Submission:

PreventionGenetics, part of Exact Sciences
Classification: Uncertain significance for TRPM3-related condition. Last evaluated: 2023-04-28. Review status: criteria provided, single submitter. Criteria: ACMG Guidelines, 2015. Collection method: clinical testing. Allele origin: germline.
Comment: The TRPM3 c.1699G>A variant is predicted to result in the amino acid substitution p.Val567Ile. To our knowledge, this variant has not been reported in the literature or in a large population database, indicating this variant is rare. At this time, the clinical significance of this variant is uncertain due to the absence of conclusive functional and genetic evidence.